The following is an entry in ClinVar:

NM_000256.3(MYBPC3):c.755del (p.Phe252fs)

Gene: MYBPC3 (myosin binding protein C3; minus strand). Cytogenetic location: 11p11.2.
Variant type: Deletion.
Coding change: c.755del on transcript NM_000256.3 (MANE Select); coding-DNA position 755, one base deleted (T; older notation c.755delT).
Protein change: p.Phe252fs; shifts the reading frame from phenylalanine 252.
Molecular consequence: frameshift variant.
Genome position (GRCh38, 1-based): chr11:47,348,441, A deleted on the plus strand (T on the coding strand, the reverse complement: MYBPC3 is on the minus strand); the first of 2 consecutive A bases (chr11:47,348,441-47,348,442); deleting either gives the same sequence. VCF-style (leftmost placement, unchanged base first): chr11-47348440-GA-G. GRCh37 (hg19) VCF-style: chr11-47369991-GA-G.
Other names: short protein forms F252fs.
Identifiers: ClinVar variation 3366932 (VCV003366932.1).

ClinVar aggregate classification (germline): Likely pathogenic (1 of 4 stars; one submission).

Conditions:
Hypertrophic cardiomyopathy 4. Also called: Familial hypertrophic cardiomyopathy 4. Identifiers: MedGen C1861862, MONDO:0007268, OMIM 115197.

Submission:

Institute of Immunology and Genetics Kaiserslautern
Classification: Likely pathogenic for Hypertrophic cardiomyopathy 4. Last evaluated: 2024-10-18. Review status: criteria provided, single submitter. Criteria: ACMG Guidelines, 2015. Collection method: clinical testing. Allele origin: germline. Affected: yes.
Comment: ACMG Criteria: PM2, PVS1; Variant was found in heterozygous state